The following is an entry in ClinVar:

NM_001252102.2(KIF21B):c.1063A>G (p.Met355Val)

Gene: KIF21B (kinesin family member 21B; minus strand). Cytogenetic location: 1q32.1.
Variant type: single nucleotide variant.
Coding change: c.1063A>G on transcript NM_001252102.2 (MANE Select); coding-DNA position 1063, A replaced by G.
Protein change: p.Met355Val; replaces methionine 355 with valine.
Molecular consequence: missense variant.
Genome position (GRCh38, 1-based): chr1:201,003,735, T>C on the plus strand (A>G on the coding strand, the complement: KIF21B is on the minus strand). VCF-style: chr1-201003735-T-C. GRCh37 (hg19) VCF-style: chr1-200972863-T-C.
Other names: c.1063A>G, p.Met355Val (NM_001252100.2, NM_001252103.2, NM_017596.4); short protein forms M355V.
Identifiers: ClinVar variation 2506681 (VCV002506681.2), dbSNP rs2465222021, ClinGen allele CA344109710.

ClinVar aggregate classification (germline): Uncertain significance (1 of 4 stars; one submission).

Allele frequency attached by ClinVar (database versions not stated): gnomAD exomes below 0.00001.

Submission:

GeneDx
Classification: Uncertain significance. Last evaluated: 2024-07-16. Review status: criteria provided, single submitter. Criteria: GeneDx Variant Classification Process June 2021. Collection method: clinical testing. Allele origin: germline. Affected: yes.
Comment: Not observed at significant frequency in large population cohorts (gnomAD); In silico analysis supports that this missense variant has a deleterious effect on protein structure/function; Has not been previously published as pathogenic or benign to our knowledge